The following is an entry in ClinVar:

ClinVar aggregate classification (germline): Conflicting classifications of pathogenicity. Review status: criteria provided, conflicting classifications (1 of 4 stars). 7 submissions from 7 submitters: Uncertain significance (6); Benign (1). Last evaluated 2026-06-09.

Conditions:
Hereditary cancer-predisposing syndrome. Also called: Hereditary Cancer Syndrome; Tumor predisposition; Hereditary neoplastic syndrome; Neoplastic Syndromes, Hereditary. Identifiers: Orphanet 140162, MedGen C0027672, MeSH D009386, MONDO:0015356.
Familial adenomatous polyposis 1 (FAP1). Also called: FAMILIAL ADENOMATOUS POLYPOSIS 1, ATTENUATED; POLYPOSIS, ADENOMATOUS INTESTINAL. Identifiers: MedGen C2713442, MONDO:0021056, OMIM 175100. Disease mechanism: loss of function.

Submissions (7):

Ambry Genetics
Classification: Benign for Hereditary cancer-predisposing syndrome. Last evaluated: 2026-06-09. Review status: criteria provided, single submitter. Criteria: Ambry Variant Classification Scheme 2023. Collection method: clinical testing. Allele origin: germline.

Labcorp Genetics (formerly Invitae), Labcorp
Classification: Uncertain significance for Familial adenomatous polyposis 1. Last evaluated: 2026-01-17. Review status: criteria provided, single submitter. Criteria: Invitae Variant Classification Sherloc (09022015). Collection method: clinical testing. Allele origin: germline.
Comment: This variant, c.3468_3470dup, results in the insertion of 1 amino acid(s) of the APC protein (p.Glu1157dup), but otherwise preserves the integrity of the reading frame. This variant is present in population databases (rs775186654, gnomAD 0.002%). This variant has not been reported in the literature in individuals affected with APC-related conditions. ClinVar contains an entry for this variant (Variation ID: 420248). Experimental studies and prediction algorithms are not available or were not evaluated, and the functional significance of this variant is currently unknown. In summary, the available evidence is currently insufficient to determine the role of this variant in disease. Therefore, it has been classified as a Variant of Uncertain Significance.

Quest Diagnostics Nichols Institute San Juan Capistrano
Classification: Uncertain significance. Last evaluated: 2024-04-17. Review status: criteria provided, single submitter. Criteria: Quest Diagnostics criteria. Collection method: clinical testing. Allele origin: unknown.
Comment: The APC c.3468_3470dup (p.Glu1157dup) variant has not been reported in individuals with APC-related conditions in the published literature. The frequency of this variant in the general population, 0.000004 (1/250976 chromosomes (Genome Aggregation Database)), is uninformative in the assessment of its pathogenicity. Based on the available information, we are unable to determine the clinical significance of this variant.

Color Diagnostics, LLC DBA Color Health
Classification: Uncertain significance for Hereditary cancer-predisposing syndrome. Last evaluated: 2024-04-11. Review status: criteria provided, single submitter. Criteria: ACMG Guidelines, 2015. Collection method: clinical testing. Allele origin: germline.
Comment: This variant causes a duplication of glutamic acid at codon 1157 of the APC protein. To our knowledge, functional studies have not been reported for this variant. This variant has not been reported in individuals affected with APC-related disorders in the literature. This variant has been identified in 1/250976 chromosomes in the general population by the Genome Aggregation Database (gnomAD). The available evidence is insufficient to determine the role of this variant in disease conclusively. Therefore, this variant is classified as a Variant of Uncertain Significance.

Baylor Genetics
Classification: Uncertain significance for Familial adenomatous polyposis 1. Last evaluated: 2023-07-31. Review status: criteria provided, single submitter. Criteria: ACMG Guidelines, 2015. Collection method: clinical testing. Allele origin: unknown.

Sema4
Classification: Uncertain significance for Hereditary cancer-predisposing syndrome. Last evaluated: 2022-01-30. Review status: criteria provided, single submitter. Criteria: Sema4 Curation Guidelines. Collection method: curation. Allele origin: germline.
Comment: The APC c.3468_3470dupAGA (p.E1157dup) variant has not been reported in the literature to our knowledge. It was observed in 1/113414 chromosomes in the Non-Finnish European subpopulation in the large and broad cohorts of the Genome Aggregation Database (PMID: 32461654). This variant has been reported in ClinVar (Variation ID: 420248). The evidence is insufficient to meet ACMG/AMP criteria for classifying the variant as benign or pathogenic. Thus, the clinical significance of this variant is currently uncertain.

GeneDx
Classification: Uncertain significance. Last evaluated: 2015-12-01. Review status: criteria provided, single submitter. Criteria: GeneDx Variant Classification (06012015). Collection method: clinical testing. Allele origin: germline. Affected: yes.
Comment: This in-frame duplication of 3 nucleotides in APC is denoted c.3468_3470dupAGA at the cDNA level and p.Glu1157dup (E1157dup) at the protein level. The normal sequence, with the bases that are duplicated in braces, is AAGA[AGA]GAGA. This duplication of a single Glutamic Acid residue occurs at a position that is not conserved and is located in a Serine-rich region, a Beta-catenin binding domain, and a region responsible for down-regulation through a process mediated by direct ubiquitination (Azzopardi 2008, UniProt). This variant has not, to our knowledge, been published in the literature as pathogenic or benign. Since in-frame duplications may or may not inhibit proper protein functioning, the clinical significance of this finding remains unclear at this time and we consider APC Glu1157dup to be a variant of uncertain significance.

NM_000038.6(APC):c.3462AGA[4] (p.Glu1157dup)

Gene: APC (APC regulator of Wnt signaling pathway; plus strand). Cytogenetic location: 5q22.2.
Variant type: Microsatellite.
Coding change: c.3462AGA[4] on transcript NM_000038.6 (MANE Select); four copies in a row of the 3-base unit AGA starting at c.3462; the reference has three copies in a row; one copy, 3 bases duplicated; also written c.3468_3470dup.
Protein change: p.Glu1157dup; duplicates glutamic acid 1157.
Molecular consequence: inframe insertion.
Genome position (GRCh38, 1-based): chr5:112,839,062-112,839,064, AGA duplicated; duplicating any 3 consecutive bases within chr5:112,839,054-112,839,064 gives the same sequence; the position shown is the placement nearest the transcript's 3' end. VCF-style (leftmost placement, unchanged base first): chr5-112839053-T-TGAA. GRCh37 (hg19) VCF-style: chr5-112174750-T-TGAA.
Other names: c.3468_3470dup (NM_000038.6, NM_000038.5); c.3462AGA[4], p.Glu1157dup (NM_001127510.3, NM_001354895.2); c.3408AGA[4], p.Glu1139dup (NM_001127511.3); c.3516AGA[4], p.Glu1175dup (NM_001354896.2); c.3492AGA[4], p.Glu1167dup (NM_001354897.2); c.3387AGA[4], p.Glu1132dup (NM_001354898.2); c.3378AGA[4], p.Glu1129dup (NM_001354899.2); c.3339AGA[4], p.Glu1116dup (NM_001354900.2); and 6 more.
Identifiers: ClinVar variation 420248 (VCV000420248.26), dbSNP rs386833391, ClinGen allele CA3368166.